The following is an entry in ClinVar:

ClinVar aggregate classification (germline): Pathogenic (1 of 4 stars; one submission).

Submission:

Labcorp Genetics (formerly Invitae), Labcorp
Classification: Pathogenic. Last evaluated: 2021-12-25. Review status: criteria provided, single submitter. Criteria: Invitae Variant Classification Sherloc (09022015). Collection method: clinical testing. Allele origin: germline.
Comment: This variant is a gross deletion of the genomic region encompassing exon(s) 6-12 of the EYS gene. This variant would be expected to be in-frame, preserving the integrity of the reading frame. This variant has not been reported in the literature in individuals affected with EYS-related conditions. The region of the EYS gene that includes exon(s) 9-10 has been determined to be clinically significant (PMID: 21069908). Therefore, deletions that encompass that region are likely to be disease-causing. For these reasons, this variant has been classified as Pathogenic.

Literature cited by the submitters: PubMed 21069908.

NC_000006.11:g.(?_66005746)_(66115270_?)del

Gene: EYS (eyes shut homolog; minus strand). Cytogenetic location: 6q12.
Variant type: Deletion.
Identifiers: ClinVar variation 1068722 (VCV001068722.7).